The following is an entry in ClinVar:

ClinVar aggregate classification (germline): Benign. Review status: criteria provided, multiple submitters, no conflicts (2 of 4 stars). 3 submissions from 3 submitters: Benign (2). 1 of the submissions does not count toward it. Last evaluated 2026-01-27.

Conditions:
FBN3-related disorder. Also called: FBN3-related condition.

Allele frequency attached by ClinVar (database versions not stated): gnomAD exomes 0.00037 and 0.00092; ExAC 0.00109; 1000 Genomes Project 0.00240; 1000 Genomes Project 30x 0.00281; ESP Exome Variant Server 0.00331; gnomAD 0.00356 and 0.00379; TOPMed 0.00426.
gnomAD v4.1: 1,117 of 1,613,096 alleles (0.069%); highest among the groups gnomAD compares: African/African-American, 1.3%; 14 homozygotes.

Submissions (3):

Labcorp Genetics (formerly Invitae), Labcorp
Classification: Benign. Last evaluated: 2026-01-27. Review status: criteria provided, single submitter. Criteria: Invitae Variant Classification Sherloc (09022015). Collection method: clinical testing. Allele origin: germline.

Breakthrough Genomics
Classification: Benign. Review status: criteria provided, single submitter. Criteria: ACMG Guidelines, 2015. Collection method: not provided. Allele origin: germline. Inheritance: Unknown mechanism. Affected: yes.

PreventionGenetics, part of Exact Sciences
Classification: Likely benign for FBN3-related condition. Last evaluated: 2019-03-22. Review status: no assertion criteria provided. Collection method: clinical testing. Allele origin: germline. Not counted in ClinVar's aggregate classification.
Comment: This variant is classified as likely benign based on ACMG/AMP sequence variant interpretation guidelines (Richards et al. 2015 PMID: 25741868, with internal and published modifications).

NM_032447.5(FBN3):c.3310C>T (p.Leu1104=)

Gene: FBN3 (fibrillin 3; minus strand). Cytogenetic location: 19p13.2.
Variant type: single nucleotide variant.
Coding change: c.3310C>T on transcript NM_032447.5 (MANE Select); coding-DNA position 3310, C replaced by T.
Protein change: p.Leu1104=; no amino-acid change (leucine 1104 retained).
Molecular consequence: synonymous variant.
Genome position (GRCh38, 1-based): chr19:8,118,924, G>A on the plus strand (C>T on the coding strand, the complement: FBN3 is on the minus strand). VCF-style: chr19-8118924-G-A. GRCh37 (hg19) VCF-style: chr19-8183808-G-A.
Other names: c.3310C>T (NM_001321431.1); c.3310C>T, p.Leu1104= (NM_001321431.2).
Identifiers: ClinVar variation 786665 (VCV000786665.13), dbSNP rs112174176, ClinGen allele CA9152486.
Genomic context (GRCh38, chr19:8,118,924, plus strand): 5'-CACTCACACTTGCACACCCAGATGCACACTTACCCTCACAGGCAGTGCCCTTGGCCGTCA[G>A]CTCATGCCCAGGGGGACACTGGCACTTGTAGCTCCCATCCGTGTTGGTGCAAGTGCCTCC-3'
Protein context (NP_115823.3, residues 1094-1114): YKCQCPPGHE[Leu1104=]TAKGTACEDI